The following is an entry in ClinVar:

ClinVar aggregate classification (germline): Likely pathogenic (1 of 4 stars; one submission).

Conditions:
Neuromuscular disease caused by qualitative or quantitative defects of dysferlin. Also called: Qualitative or quantitative defects of dysferlin; Dysferlinopathy. Identifiers: Orphanet 207073, MedGen C2931687, MONDO:0016145.

Submission:

Labcorp Genetics (formerly Invitae), Labcorp
Classification: Likely pathogenic for Qualitative or quantitative defects of dysferlin. Last evaluated: 2019-09-06. Review status: criteria provided, single submitter. Criteria: Invitae Variant Classification Sherloc (09022015). Collection method: clinical testing. Allele origin: germline.
Comment: This sequence change falls in intron 25 of the DYSF gene. It does not directly change the encoded amino acid sequence of the DYSF protein, but it affects a nucleotide within the consensus splice site of the intron. This variant is not present in population databases (ExAC no frequency). This variant has been observed in combination with another DYSF variant in an individual affected with dysferlinopathy (PMID: 27647186). Nucleotide substitutions within the consensus splice site are a relatively common cause of aberrant splicing (PMID: 17576681, 9536098). Algorithms developed to predict the effect of sequence changes on RNA splicing suggest that this variant may disrupt the consensus splice site, but this prediction has not been confirmed by published transcriptional studies. In summary, the currently available evidence indicates that the variant is pathogenic, but additional data are needed to prove that conclusively. Therefore, this variant has been classified as Likely Pathogenic.

Literature cited by the submitters: PubMed 27647186.

NM_001130987.2(DYSF):c.2697+5G>C

Gene: DYSF (dysferlin; plus strand). Cytogenetic location: 2p13.2.
Variant type: single nucleotide variant.
Coding change: c.2697+5G>C on transcript NM_001130987.2 (MANE Select); 5 bases into the intron after coding-DNA position 2697, G replaced by C.
Molecular consequence: intron variant.
Genome position (GRCh38, 1-based): chr2:71,568,087, G>C. VCF-style: chr2-71568087-G-C. GRCh37 (hg19) VCF-style: chr2-71795217-G-C.
Other names: c.2736+5G>C (NM_001130979.2); c.2694+5G>C (NM_001130981.2, NM_001130980.2); c.2643+5G>C (NM_001130978.2, NM_003494.4); c.2601+5G>C (NM_001130977.2, NM_001130976.2); c.2739+5G>C (NM_001130982.2); c.2697+5G>C (NM_001130985.2); c.2646+5G>C (NM_001130983.2, NM_001130455.2); c.2604+5G>C (NM_001130984.2, NM_001130986.2).
Identifiers: ClinVar variation 939106 (VCV000939106.1), dbSNP rs2092213253, ClinGen allele CA1139657082.